The following is an entry in ClinVar:

ClinVar aggregate classification (germline): Uncertain significance (1 of 4 stars; one submission).

Allele frequency attached by ClinVar (database versions not stated): gnomAD 0.00001; TOPMed 0.00001; ExAC 0.00003.
gnomAD v4.1: 64 of 1,545,674 alleles (0.0041%); highest among the groups gnomAD compares: Non-Finnish European, 0.0055%; no homozygotes.

Submission:

Labcorp Genetics (formerly Invitae), Labcorp
Classification: Uncertain significance. Last evaluated: 2023-05-16. Review status: criteria provided, single submitter. Criteria: Invitae Variant Classification Sherloc (09022015). Collection method: clinical testing. Allele origin: germline.
Comment: In summary, the available evidence is currently insufficient to determine the role of this variant in disease. Therefore, it has been classified as a Variant of Uncertain Significance. Algorithms developed to predict the effect of sequence changes on RNA splicing suggest that this variant is not likely to affect RNA splicing. This variant has not been reported in the literature in individuals affected with DIP2C-related conditions. This variant is present in population databases (rs765106915, gnomAD 0.003%). This sequence change affects codon 710 of the DIP2C mRNA. It is a 'silent' change, meaning that it does not change the encoded amino acid sequence of the DIP2C protein. It affects a nucleotide within the consensus splice site.

NM_014974.3(DIP2C):c.2130A>T (p.Gly710=)

Gene: DIP2C (DIP2 acetate--CoA ligase C (putative); minus strand). Cytogenetic location: 10p15.3.
Variant type: single nucleotide variant.
Coding change: c.2130A>T on transcript NM_014974.3 (MANE Select); coding-DNA position 2130, A replaced by T.
Protein change: p.Gly710=; no amino-acid change (glycine 710 retained).
Molecular consequence: synonymous variant.
Genome position (GRCh38, 1-based): chr10:369,495, T>A on the plus strand (A>T on the coding strand, the complement: DIP2C is on the minus strand). VCF-style: chr10-369495-T-A. GRCh37 (hg19) VCF-style: chr10-415435-T-A.
Identifiers: ClinVar variation 2977176 (VCV002977176.3), dbSNP rs765106915, ClinGen allele CA5380587.